The following is an entry in ClinVar:

ClinVar aggregate classification (germline): Uncertain significance (1 of 4 stars; one submission).

Allele frequency attached by ClinVar (database versions not stated): TOPMed below 0.00001.

Submission:

Labcorp Genetics (formerly Invitae), Labcorp
Classification: Uncertain significance. Last evaluated: 2023-04-06. Review status: criteria provided, single submitter. Criteria: Invitae Variant Classification Sherloc (09022015). Collection method: clinical testing. Allele origin: germline.
Comment: This sequence change replaces serine, which is neutral and polar, with threonine, which is neutral and polar, at codon 218 of the SLC44A4 protein (p.Ser218Thr). This variant is not present in population databases (gnomAD no frequency). This variant has not been reported in the literature in individuals affected with SLC44A4-related conditions. Advanced modeling of protein sequence and biophysical properties (such as structural, functional, and spatial information, amino acid conservation, physicochemical variation, residue mobility, and thermodynamic stability) performed at Invitae indicates that this missense variant is not expected to disrupt SLC44A4 protein function. In summary, the available evidence is currently insufficient to determine the role of this variant in disease. Therefore, it has been classified as a Variant of Uncertain Significance.

NM_025257.3(SLC44A4):c.653G>C (p.Ser218Thr)

Gene: SLC44A4 (solute carrier family 44 member 4; minus strand). Cytogenetic location: 6p21.33.
Variant type: single nucleotide variant.
Coding change: c.653G>C on transcript NM_025257.3 (MANE Select); coding-DNA position 653, G replaced by C.
Protein change: p.Ser218Thr; replaces serine 218 with threonine.
Molecular consequence: missense variant.
Genome position (GRCh38, 1-based): chr6:31,871,362, C>G on the plus strand (G>C on the coding strand, the complement: SLC44A4 is on the minus strand). VCF-style: chr6-31871362-C-G. GRCh37 (hg19) VCF-style: chr6-31839139-C-G.
Other names: c.527G>C, p.Ser176Thr (NM_001178044.2); c.425G>C, p.Ser142Thr (NM_001178045.2); c.653G>C, p.Ser218Thr (NM_032794.1); short protein forms S176T, S142T, S218T.
Identifiers: ClinVar variation 3010469 (VCV003010469.3), dbSNP rs1763166620, ClinGen allele CA363373945.